The following is an entry in ClinVar:

NM_000553.6(WRN):c.2732+1G>T

Gene: WRN (WRN RecQ like helicase; plus strand). Cytogenetic location: 8p12.
Variant type: single nucleotide variant.
Coding change: c.2732+1G>T on transcript NM_000553.6 (MANE Select); the canonical splice donor site of the intron after coding-DNA position 2732, G replaced by T.
Molecular consequence: splice donor variant.
Genome position (GRCh38, 1-based): chr8:31,124,624, G>T. VCF-style: chr8-31124624-G-T. GRCh37 (hg19) VCF-style: chr8-30982140-G-T.
Identifiers: ClinVar variation 3653069 (VCV003653069.2).

ClinVar aggregate classification (germline): Likely pathogenic (1 of 4 stars; one submission).

Conditions:
Werner syndrome (WRN). Identifiers: Orphanet 902, MedGen C0043119, MONDO:0010196, OMIM 277700.

Submission:

Labcorp Genetics (formerly Invitae), Labcorp
Classification: Likely pathogenic for Werner syndrome. Last evaluated: 2024-05-12. Review status: criteria provided, single submitter. Criteria: Invitae Variant Classification Sherloc (09022015). Collection method: clinical testing. Allele origin: germline.
Comment: This sequence change affects a donor splice site in intron 22 of the WRN gene. It is expected to disrupt RNA splicing. Variants that disrupt the donor or acceptor splice site typically lead to a loss of protein function (PMID: 16199547), and loss-of-function variants in WRN are known to be pathogenic (PMID: 16673358). This variant is not present in population databases (gnomAD no frequency). This variant has not been reported in the literature in individuals affected with WRN-related conditions. Algorithms developed to predict the effect of sequence changes on RNA splicing suggest that this variant may disrupt the consensus splice site. In summary, the currently available evidence indicates that the variant is pathogenic, but additional data are needed to prove that conclusively. Therefore, this variant has been classified as Likely Pathogenic.

Literature cited by the submitters: PubMed 16199547; PubMed 16673358.